The following is an entry in ClinVar:

NM_022911.3(SLC26A6):c.682G>C (p.Val228Leu)

Gene: SLC26A6 (solute carrier family 26 member 6; minus strand). Cytogenetic location: 3p21.31.
Variant type: single nucleotide variant.
Coding change: c.682G>C on transcript NM_022911.3 (MANE Select); coding-DNA position 682, G replaced by C.
Protein change: p.Val228Leu; replaces valine 228 with leucine.
Molecular consequence: missense variant. On other transcripts: intron variant (1).
Genome position (GRCh38, 1-based): chr3:48,631,948, C>G on the plus strand (G>C on the coding strand, the complement: SLC26A6 is on the minus strand). VCF-style: chr3-48631948-C-G. GRCh37 (hg19) VCF-style: chr3-48669381-C-G.
Other names: c.619G>C, p.Val207Leu (NM_001040454.1); c.578G>C, p.Arg193Pro (NM_001281732.2); c.682G>C, p.Val228Leu (NM_134263.3, NM_134426.3); c.434-151G>C (NM_001281733.2); short protein forms V207L, V228L, R193P.
Identifiers: ClinVar variation 64457 (VCV000064457.2), dbSNP rs387907498, ClinGen allele CA216183.
Genomic context (GRCh38, chr3:48,631,948, plus strand): 5'-GGGACAGTGGCCCAGAGTGGCTGCTCAGATGGAGGCCAAACACATACTTGAGCTGTGAGA[C>G]GAAGACCTGCACAGCTGCAGCTGTGGTATAGCCTCGGACAAGAGGTTCTGACAGGTAGGT-3'
Protein context (NP_075062.2, residues 218-238): YTTAAAVQVF[Val228Leu]SQLKYVFGLH

ClinVar aggregate classification (germline): Uncertain significance (0 of 4 stars; one submission).

Submission:

Martin Pollak Laboratory,  Beth Israel Deaconess Medical Center
Classification: Uncertain significance. Review status: no assertion criteria provided. Collection method: not provided. Allele origin: unknown.
Comment: Higher UCa2+ group
ClinVar note: Converted during submission from unknown to Uncertain significance.